The following is an entry in ClinVar:

NM_000138.5(FBN1):c.6683_6684del (p.Ser2227_Tyr2228insTer)

Gene: FBN1 (fibrillin 1; minus strand). Cytogenetic location: 15q21.1.
Variant type: Microsatellite.
Coding change: c.6683_6684del on transcript NM_000138.5 (MANE Select); coding-DNA positions 6683 to 6684, 2 bases deleted (AT; older notation c.6683_6684delAT).
Protein change: p.Ser2227_Tyr2228insTer.
Molecular consequence: nonsense.
Genome position (GRCh38, 1-based): chr15:48,432,921-48,432,922, AT deleted on the plus strand (AT on the coding strand, the reverse complement: FBN1 is on the minus strand); deleting any 2 consecutive bases within chr15:48,432,921-48,432,924 gives the same sequence; the c. name uses the placement nearest the transcript's 3' end. VCF-style (leftmost placement, unchanged base first): chr15-48432920-CAT-C. GRCh37 (hg19) VCF-style: chr15-48725117-CAT-C.
Other names: c.6683_6684del, p.Ser2227_Tyr2228insTer (NM_001406716.1).
Identifiers: ClinVar variation 3759894 (VCV003759894.2).
Genomic context (GRCh38, chr15:48,432,920, plus strand): 5'-ACTCACCTTTGCACATCCTACGGTCTTCTCTGAGCACATATCCCACGGGACATTTGCATT[CAT>C]ATGACCCATAAGTGTTCACACATCGGAAGGCACAGAGCAGAGGATTCTGGGCACATTCAT-3'

ClinVar aggregate classification (germline): Pathogenic (1 of 4 stars; one submission).

Conditions:
Marfan syndrome (MFS). Also called: MARFAN SYNDROME, TYPE I; Marfan syndrome type 1; Marfan's syndrome; Marfan syndrome, classic; FBN1-Related Marfan Syndrome. Identifiers: Orphanet 284963, Orphanet 558, MedGen C0024796, MONDO:0007947, OMIM 154700.
Familial thoracic aortic aneurysm and aortic dissection (TAAD). Also called: Thoracic aortic aneurysms and dissections. Identifiers: Orphanet 91387, MedGen C4707243, MONDO:0019625.

Submission:

Labcorp Genetics (formerly Invitae), Labcorp
Classification: Pathogenic for Marfan syndrome; Familial thoracic aortic aneurysm and aortic dissection. Last evaluated: 2024-11-26. Review status: criteria provided, single submitter. Criteria: Invitae Variant Classification Sherloc (09022015). Collection method: clinical testing. Allele origin: germline.
Comment: This sequence change creates a premature translational stop signal (p.Tyr2228*) in the FBN1 gene. It is expected to result in an absent or disrupted protein product. Loss-of-function variants in FBN1 are known to be pathogenic (PMID: 17657824, 19293843). This variant is not present in population databases (gnomAD no frequency). This variant has not been reported in the literature in individuals affected with FBN1-related conditions. For these reasons, this variant has been classified as Pathogenic.

Literature cited by the submitters: PubMed 17657824; PubMed 19293843.